The following is an entry in ClinVar:

ClinVar aggregate classification (germline): Likely benign. Review status: no assertion criteria provided (0 of 4 stars). 2 submissions from 2 submitters: Likely benign (1). 1 of the submissions does not count toward it. Last evaluated 2020-12-01.

Conditions:
NLRP2-related disorder. Also called: NLRP2-related condition.

Allele frequency attached by ClinVar (database versions not stated): ESP Exome Variant Server 0.00008; ExAC 0.00011; gnomAD exomes 0.00012; TOPMed 0.00018; gnomAD 0.00021; 1000 Genomes Project 30x 0.00078; 1000 Genomes Project 0.00080.

Submissions (2):

PreventionGenetics, part of Exact Sciences
Classification: Likely benign for NLRP2-related condition. Last evaluated: 2020-12-01. Review status: no assertion criteria provided. Collection method: clinical testing. Allele origin: germline.
Comment: This variant is classified as likely benign based on ACMG/AMP sequence variant interpretation guidelines (Richards et al. 2015 PMID: 25741868, with internal and published modifications).

Human Evolutionary Genetics, Institut Pasteur
No classification provided. Review status: no classification provided. Collection method: not provided. Allele origin: germline. Not counted in ClinVar's aggregate classification.
ClinVar note: Converted during submission from untested to not provided.

NM_017852.5(NLRP2):c.1386G>A (p.Thr462=)

Gene: NLRP2 (NLR family pyrin domain containing 2; plus strand). Cytogenetic location: 19q13.42.
Variant type: single nucleotide variant.
Coding change: c.1386G>A on transcript NM_017852.5 (MANE Select); coding-DNA position 1386, G replaced by A.
Protein change: p.Thr462=; no amino-acid change (threonine 462 retained).
Molecular consequence: synonymous variant. On other transcripts: non-coding transcript variant (1).
Genome position (GRCh38, 1-based): chr19:54,983,084, G>A. VCF-style: chr19-54983084-G-A. GRCh37 (hg19) VCF-style: chr19-55494452-G-A.
Other names: c.1386G>A, p.Thr462= (NM_001174081.3); c.1320G>A, p.Thr440= (NM_001174082.3); c.1317G>A, p.Thr439= (NM_001174083.2); c.1377G>A, p.Thr459= (NM_001348003.2); c.1386G>A (NM_001174081.2).
Identifiers: ClinVar variation 103050 (VCV000103050.4), dbSNP rs199475716, ClinGen allele CA230026.